The following is an entry in ClinVar:

NM_014363.6(SACS):c.2733C>T (p.Thr911=)

Gene: SACS (sacsin molecular chaperone; minus strand). Cytogenetic location: 13q12.12.
Variant type: single nucleotide variant.
Coding change: c.2733C>T on transcript NM_014363.6 (MANE Select); coding-DNA position 2733, C replaced by T.
Protein change: p.Thr911=; no amino-acid change (threonine 911 retained).
Molecular consequence: synonymous variant.
Genome position (GRCh38, 1-based): chr13:23,341,143, G>A on the plus strand (C>T on the coding strand, the complement: SACS is on the minus strand). VCF-style: chr13-23341143-G-A. GRCh37 (hg19) VCF-style: chr13-23915282-G-A.
Other names: c.2292C>T, p.Thr764= (NM_001278055.2).
Identifiers: ClinVar variation 700823 (VCV000700823.13), dbSNP rs199702597, ClinGen allele CA6911635.

ClinVar aggregate classification (germline): Likely benign. Review status: criteria provided, multiple submitters, no conflicts (2 of 4 stars). 3 submissions from 3 submitters: Likely benign (2). 1 of the submissions does not count toward it. Last evaluated 2026-02-10.

Conditions:
Spastic paraplegia. Identifiers: MedGen C0037772, HP:0001258.
Charlevoix-Saguenay spastic ataxia (SACS). Also called: Spastic ataxia of Charlevoix-Saguenay; SPASTIC ATAXIA 6, AUTOSOMAL RECESSIVE; AUTOSOMAL RECESSIVE SPASTIC ATAXIA OF CHARLEVOIX-SAGUENAY. Identifiers: Orphanet 98, MedGen C1849140, MONDO:0010041, OMIM 270550.
SACS-related disorder. Also called: SACS-related condition.

Allele frequency attached by ClinVar (database versions not stated): ExAC 0.00002; gnomAD 0.00002; gnomAD exomes 0.00002 and 0.00004; TOPMed 0.00004; 1000 Genomes Project 30x 0.00016; 1000 Genomes Project 0.00020; ESP Exome Variant Server 0.00023.
gnomAD v4.1: 32 of 1,613,114 alleles (0.002%); highest among the groups gnomAD compares: Middle Eastern, 0.016%; no homozygotes.

Submissions (3):

PreventionGenetics, part of Exact Sciences
Classification: Likely benign for SACS-related condition. Last evaluated: 2026-02-10. Review status: criteria provided, single submitter. Criteria: ACMG Guidelines, 2015. Collection method: clinical testing. Allele origin: germline.
Comment: This variant is classified as likely benign based on ACMG/AMP sequence variant interpretation guidelines (Richards et al. 2015 PMID: 25741868, with internal and published modifications).

Labcorp Genetics (formerly Invitae), Labcorp
Classification: Likely benign for Spastic paraplegia. Last evaluated: 2025-10-06. Review status: criteria provided, single submitter. Criteria: Invitae Variant Classification Sherloc (09022015). Collection method: clinical testing. Allele origin: germline.

Natera, Inc.
Classification: Likely benign for Charlevoix-Saguenay type spastic ataxia. Last evaluated: 2020-10-08. Review status: no assertion criteria provided. Collection method: clinical testing. Allele origin: germline. Not counted in ClinVar's aggregate classification.